The following continues an entry in ClinVar:

NM_007118.4(TRIO):c.4394A>G (p.Asn1465Ser)

Gene: TRIO. ClinVar aggregate classification (germline): Pathogenic/Likely pathogenic. Pathogenic (11); Likely pathogenic (3).

Submissions 14 to 15 of 15:

Juno Genomics, Hangzhou Juno Genomics, Inc
Classification: Likely pathogenic for Intellectual developmental disorder, autosomal dominant 44, with microcephaly; Intellectual developmental disorder, autosomal dominant 63, with macrocephaly. Review status: criteria provided, single submitter. Criteria: ACMG Guidelines, 2015. Collection method: clinical testing. Allele origin: germline. Affected: yes.
Comment: Absent from controls (or at extremely low frequency if recessive) in Genome Aggregation Database.;Missense variant in a gene that has a low rate of benign missense variation.;Well-established in vitro or in vivo functional studies supportive of a damaging effect on the gene or gene product.;The prevalence of the variant in affected individuals is significantly increased compared to the prevalence in controls.;Patient's phenotype or family history is highly specific for a disease with a single genetic etiology.;De novo (both maternity and paternity confirmed) in a patient with the disease and no family history.

Clinical Genomics Laboratory, Stanford Medicine
Classification: Likely pathogenic for Intellectual developmental disorder, autosomal dominant 44, with microcephaly. Last evaluated: 2020-01-24. Review status: no assertion criteria provided. Collection method: clinical testing. Allele origin: germline. Inheritance: Autosomal dominant inheritance. Affected: yes. Not counted in ClinVar's aggregate classification.
Comment: This variant was absent from large population databases, including the Genome Aggregation Database. The p.Asn1465Ser variant is located in the DH1 subdomain of TRIO. Other pathogenic and likely pathogenic variants have been described in this domain and disrupt the function of TRIO. The TRIO gene has fewer missense variants in the general population than expected. A low rate of missense variation may suggest that this gene is intolerant to missense variation. Computational tools predict that the p.Asn1465Ser variant is deleterious; however, the accuracy of in silico algorithms is limited. These data were assessed using the ACMG/AMP variant interpretation guidelines. In summary, there is sufficient evidence to classify the p.Asn1465Ser variant as likely pathogenic for TRIO-associated intellectual disability in an autosomal dominant manner based on the information above. [ACMG evidence codes used: PS2_moderate; PM2; PP2; PP3]

Literature cited by the submitters: PubMed 36371492 (cited by 3 submitters); PubMed 36987741 (cited by 3 submitters); PubMed 39429079 (cited by Ambry Genetics); PubMed 32109419 (cited by Victorian Clinical Genetics Services, Murdoch Childrens Research Institute).